The following is an entry in ClinVar:

ClinVar aggregate classification (germline): Uncertain significance (1 of 4 stars; one submission).

Allele frequency attached by ClinVar (database versions not stated): ExAC 0.00001.

Submission:

Labcorp Genetics (formerly Invitae), Labcorp
Classification: Uncertain significance. Last evaluated: 2024-10-07. Review status: criteria provided, single submitter. Criteria: Invitae Variant Classification Sherloc (09022015). Collection method: clinical testing. Allele origin: germline.
Comment: This sequence change replaces glutamic acid, which is acidic and polar, with lysine, which is basic and polar, at codon 339 of the NEU1 protein (p.Glu339Lys). This variant is present in population databases (rs767310919, gnomAD 0.006%). This variant has not been reported in the literature in individuals affected with NEU1-related conditions. Invitae Evidence Modeling of protein sequence and biophysical properties (such as structural, functional, and spatial information, amino acid conservation, physicochemical variation, residue mobility, and thermodynamic stability) indicates that this missense variant is not expected to disrupt NEU1 protein function with a negative predictive value of 80%. In summary, the available evidence is currently insufficient to determine the role of this variant in disease. Therefore, it has been classified as a Variant of Uncertain Significance.

NM_000434.4(NEU1):c.1015G>A (p.Glu339Lys)

Gene: NEU1 (neuraminidase 1; minus strand). Cytogenetic location: 6p21.33.
Variant type: single nucleotide variant.
Coding change: c.1015G>A on transcript NM_000434.4 (MANE Select); coding-DNA position 1015, G replaced by A.
Protein change: p.Glu339Lys; replaces glutamic acid 339 with lysine.
Molecular consequence: missense variant.
Genome position (GRCh38, 1-based): chr6:31,860,048, C>T on the plus strand (G>A on the coding strand, the complement: NEU1 is on the minus strand). VCF-style: chr6-31860048-C-T. GRCh37 (hg19) VCF-style: chr6-31827825-C-T.
Other names: short protein forms E339K.
Identifiers: ClinVar variation 2811604 (VCV002811604.3), dbSNP rs767310919, ClinGen allele CA3724907.